The following is an entry in ClinVar:

NM_001613.4(ACTA2):c.353G>A (p.Arg118Gln)

Gene: ACTA2 (actin alpha 2, smooth muscle; minus strand). Cytogenetic location: 10q23.31.
Variant type: single nucleotide variant.
Coding change: c.353G>A on transcript NM_001613.4 (MANE Select); coding-DNA position 353, G replaced by A.
Protein change: p.Arg118Gln; replaces arginine 118 with glutamine.
Molecular consequence: missense variant.
Genome position (GRCh38, 1-based): chr10:88,943,813, C>T on the plus strand (G>A on the coding strand, the complement: ACTA2 is on the minus strand). VCF-style: chr10-88943813-C-T. GRCh37 (hg19) VCF-style: chr10-90703570-C-T.
Other names: p.R118Q:CGG>CAG; c.353G>A, p.Arg118Gln (NM_001141945.3, NM_001320855.2, NM_001406462.1 and 3 more transcripts); c.224G>A, p.Arg75Gln (NM_001406467.1, NM_001406468.1, NM_001406469.1); short protein forms R118Q, R75Q.
Identifiers: ClinVar variation 199670 (VCV000199670.36), dbSNP rs112602953, ClinGen allele CA006909.

ClinVar aggregate classification (germline): Pathogenic/Likely pathogenic. Review status: criteria provided, multiple submitters, no conflicts (2 of 4 stars). 11 submissions from 11 submitters: Pathogenic (10); Likely pathogenic (1). Last evaluated 2026-01-12.

Conditions:
ACTA2-related disorder. Also called: ACTA2-related disorders; ACTA2-related condition.
Moyamoya disease 5 (MYMY5). Identifiers: Orphanet 2573, MedGen C3279690, MONDO:0013542, OMIM 614042.
Aortic aneurysm, familial thoracic 6 (AAT6). Also called: FAMILIAL THORACIC AORTIC ANEURYSM WITH LIVEDO RETICULARIS AND IRIS FLOCCULI. Identifiers: MedGen C2673186, MONDO:0012730, OMIM 611788.
Multisystemic smooth muscle dysfunction syndrome (SMDYS). Also called: SMOOTH MUSCLE DYSFUNCTION SYNDROME; MYDRIASIS, CONGENITAL, WITH PATENT DUCTUS ARTERIOSUS, THORACIC AORTIC ANEURYSM, AND VASCULOPATHY. Identifiers: Orphanet 404463, MedGen C3151201, MONDO:0013452, OMIM 613834.
Familial thoracic aortic aneurysm and aortic dissection (TAAD). Also called: Thoracic aortic aneurysms and dissections. Identifiers: Orphanet 91387, MedGen C4707243, MONDO:0019625.

Allele frequency attached by ClinVar (database versions not stated): gnomAD exomes below 0.00001; ExAC 0.00001.
gnomAD v4.1: 2 of 1,613,726 alleles (0.00012%); highest among the groups gnomAD compares: Non-Finnish European, 0.00017%; no homozygotes.

Submissions 1 to 6 of 11:

Ambry Genetics
Classification: Pathogenic for Familial thoracic aortic aneurysm and aortic dissection. Last evaluated: 2026-01-12. Review status: criteria provided, single submitter. Criteria: Ambry Variant Classification Scheme 2023. Collection method: clinical testing. Allele origin: germline.
Comment: The c.353G>A (p.R118Q) alteration is located in exon 4 (coding exon 3) of the ACTA2 gene. This alteration results from a G to A substitution at nucleotide position 353, causing the arginine (R) at amino acid position 118 to be replaced by a glutamine (Q). Based on data from gnomAD, the A allele has an overall frequency of <0.001% (1/251034) total alleles studied. The highest observed frequency was 0.001% (1/113416) of European (non-Finnish) alleles. This variant was identified in one or more individuals with features consistent with ACTA2-related vascular disorders and segregated with disease in at least one family (Guo, 2007; Guo, 2009; Bee, 2012). This amino acid position is highly conserved in available vertebrate species. Functional studies suggest that this alteration may impact actin assembly (Guo, 2007; Bergeron, 2011). This alteration is predicted to be deleterious by in silico analysis. Based on the available evidence, this alteration is classified as pathogenic.

Labcorp Genetics (formerly Invitae), Labcorp
Classification: Pathogenic for Aortic aneurysm, familial thoracic 6. Last evaluated: 2026-01-04. Review status: criteria provided, single submitter. Criteria: Invitae Variant Classification Sherloc (09022015). Collection method: clinical testing. Allele origin: germline.
Comment: This sequence change replaces arginine, which is basic and polar, with glutamine, which is neutral and polar, at codon 118 of the ACTA2 protein (p.Arg118Gln). The frequency data for this variant in the population databases is considered unreliable, as metrics indicate poor data quality at this position in the gnomAD database. This missense change has been observed in individual(s) with increased risk of coronary artery disease and/or thoracic aortic dissections (PMID: 17994018, 19409525, 21248741, 25759435). It has also been observed to segregate with disease in related individuals. ClinVar contains an entry for this variant (Variation ID: 199670). Invitae Evidence Modeling of protein sequence and biophysical properties (such as structural, functional, and spatial information, amino acid conservation, physicochemical variation, residue mobility, and thermodynamic stability) has been performed for this missense variant. However, the output from this modeling did not meet the statistical confidence thresholds required to predict the impact of this variant on ACTA2 protein function. Experimental studies have shown that this missense change affects ACTA2 function (PMID: 21288906). For these reasons, this variant has been classified as Pathogenic.

Victorian Clinical Genetics Services, Murdoch Childrens Research Institute
Classification: Pathogenic for Aortic aneurysm, familial thoracic 6. Last evaluated: 2025-09-29. Review status: criteria provided, single submitter. Criteria: ACMG Guidelines, 2015. Collection method: clinical testing. Allele origin: germline. Affected: no.
Comment: This variant is classified as Pathogenic. Evidence in support of pathogenic classification: Variant is present in gnomAD <0.001 for a dominant condition (v4: 2 heterozygote(s), 0 homozygote(s)). - This variant has strong previous evidence of pathogenicity in unrelated individuals. This variant has been classified as pathogenic and likely pathogenic by multiple clinical laboratories in ClinVar. It has also been reported in the literature in multiple individuals with familial thoracic aortic aneurysm (PMIDs: 17994018, 25759435); This variant has strong functional evidence supporting abnormal protein function. Functional study using smooth muscle cells suggested that variant perturbs ACTA2 filament assembly or stability (PMID: 17994018); Missense variant predicted to be damaging by in silico tool(s) or highly conserved with a major amino acid change. Additional information: Variant is predicted to result in a missense amino acid change from arginine to glutamine; This gene is associated with autosomal dominant disease; Alternative amino acid change(s) at the same position are present in gnomAD (Highest allele count: v4: 2 heterozygote(s), 0 homozygote(s)); Another missense variant comparable to the one identified in this case has inconclusive previous evidence for pathogenicity. p.(Arg118Trp) has been classified as both likely pathogenic and VUS by multiple clinical laboratories in ClinVar; Variant is located in the annotated actin domain (NCBI); Dominant negative is a known mechanism of disease in this gene and is associated with familial thoracic aortic aneurysm 6 (MIM#611788), Moyamoya disease 5 (MIM#614042) and multisystemic smooth muscle dysfunction syndrome (MIM#613834) (PMID: 27551047, 28652363).

Color Diagnostics, LLC DBA Color Health
Classification: Pathogenic for Familial thoracic aortic aneurysm and aortic dissection. Last evaluated: 2025-06-30. Review status: criteria provided, single submitter. Criteria: ACMG Guidelines, 2015. Collection method: clinical testing. Allele origin: germline.
Comment: This missense variant replaces arginine with glutamine at codon 118 of the ACTA2 protein. Computational prediction suggests that this variant may have deleterious impact on protein structure and function. Functional studies in yeast and cultured smooth muscle cells have shown that this variant affects actin assembly or stability (PMID: 17994018, 21288906). It has been shown that this variant segregates with thoracic aortic aneurysm and aortic dissection (TAAD) in multiple affected individuals across four families (PMID: 17994018, 19409525, 23099432, 38044429). This variant has also been reported in 9 related individuals affected with TAAD and/or coronary artery disease (PMID: 32093627). This variant has been identified in 1/251034 chromosomes in the general population by the Genome Aggregation Database (gnomAD). Based on the available evidence, this variant is classified as Pathogenic.

Variantyx, Inc.
Classification: Likely pathogenic for Aortic aneurysm, familial thoracic 6. Last evaluated: 2025-05-22. Review status: criteria provided, single submitter. Criteria: Variantyx Assertion Criteria 2022. Collection method: clinical testing. Allele origin: germline. Inheritance: Autosomal dominant inheritance. Affected: yes.
Comment: This is a nonsynonymous variant in the ACTA2 gene (OMIM: 102620). Pathogenic variants in this gene have been associated with autosomal dominant familial thoracic aortic aneurysm 6. This variant has been reported in at least four unrelated affected individuals (PMID: 35943490 ) (PS4_Moderate). Functional studies have shown that this variant alters ACTA2 protein function (PMID: 21288906) (PS3_Moderate) and multiple computational algorithms predict a deleterious effect for this variant (REVEL score: 0.938) (PP3). This variant has a 0.0002% maximum allele frequency in non-founder control populations (PM2). Based on the current evidence, this variant is classified as likely pathogenic for autosomal dominant familial thoracic aortic aneurysm 6.

Molecular Genetics, Royal Melbourne Hospital
Classification: Pathogenic for Familial thoracic aortic aneurysm and aortic dissection. Last evaluated: 2024-11-04. Review status: criteria provided, single submitter. Criteria: ACMG Guidelines, 2015. Collection method: clinical testing. Allele origin: germline. Inheritance: Autosomal dominant inheritance. Affected: yes.
Comment: This sequence change in ACTA2 is predicted to replace arginine with glutamine at codon 118, p.(Arg118Gln). The arginine residue is highly conserved (100 vertebrates, Multiz Alignments), and is not located in an annotated domain. There is a small physicochemical difference between arginine and glutamine. ACTA2, in which the variant was identified, is a gene significantly constrained for missense variation and where pathogenic missense variants are a common mechanism of disease (gnomAD v4.1). The highest population minor allele frequency in the population database gnomAD v4.1 is 0.0002% (2/1,179,712 alleles) in the European (non-Finnish) population, consistent with thoracic aortic disease. This variant has been reported in at least eight probands with thoracic aortic aneurysm and dissection (TAAD) and segregates with TAAD in multiple families (PMID: 17994018, 19409525, 23099432, 35943490, 38044429). The risk of aortic events is reportedly lower for this variant than other pathogenic ACTA2 variants, and coronary artery disease is commonly present. Perturbation of ACTA2 filament assembly/stability has been demonstrated in smooth muscle cells and increased cellular proliferation in myofibroblasts of individuals with this variant (PMID: 17994018, 19409525). Computational evidence predicts a deleterious effect for the missense substitution (REVEL = 0.938) and predicts no impact on splicing (SpliceAI) for the nucleotide change. Based on the classification scheme RMH Modified ACMG/AMP Guidelines v1.7.0, this variant is classified as PATHOGENIC. Following criteria are met: PM2_Supporting, PP1_Strong, PP2, PP3_Moderate, PS4_Moderate.